The following is an entry in ClinVar:

NM_001369.3(DNAH5):c.11694G>T (p.Leu3898Phe)

Gene: DNAH5 (dynein axonemal heavy chain 5; minus strand). Cytogenetic location: 5p15.2.
Variant type: single nucleotide variant.
Coding change: c.11694G>T on transcript NM_001369.3 (MANE Select); coding-DNA position 11694, G replaced by T.
Protein change: p.Leu3898Phe; replaces leucine 3898 with phenylalanine.
Molecular consequence: missense variant.
Genome position (GRCh38, 1-based): chr5:13,735,198, C>A on the plus strand (G>T on the coding strand, the complement: DNAH5 is on the minus strand). VCF-style: chr5-13735198-C-A. GRCh37 (hg19) VCF-style: chr5-13735307-C-A.
Other names: short protein forms L3898F.
Identifiers: ClinVar variation 351036 (VCV000351036.20), dbSNP rs200798994, ClinGen allele CA3201872.

ClinVar aggregate classification (germline): Conflicting classifications of pathogenicity. Review status: criteria provided, conflicting classifications (1 of 4 stars). 5 submissions from 5 submitters: Uncertain significance (3); Likely benign (1). 1 of the submissions does not count toward it. Last evaluated 2025-04-28.

Conditions:
Primary ciliary dyskinesia. Also called: Ciliary dyskinesia. Identifiers: Orphanet 244, MedGen C0008780, MONDO:0016575, HP:0012265.
Primary ciliary dyskinesia 3. Identifiers: Orphanet 244, MedGen C1837618, MONDO:0012085, OMIM 608644.

Allele frequency attached by ClinVar (database versions not stated): gnomAD 0.00001; gnomAD exomes 0.00009 and 0.00010; ExAC 0.00012; 1000 Genomes Project 30x 0.00031; 1000 Genomes Project 0.00040.
gnomAD v4.1: 143 of 1,614,084 alleles (0.0089%); highest among the groups gnomAD compares: East Asian, 0.31%; 1 homozygote.

Submissions (5):

Labcorp Genetics (formerly Invitae), Labcorp
Classification: Likely benign for Primary ciliary dyskinesia. Last evaluated: 2025-04-28. Review status: criteria provided, single submitter. Criteria: Invitae Variant Classification Sherloc (09022015). Collection method: clinical testing. Allele origin: germline.

GeneDx
Classification: Uncertain significance. Last evaluated: 2024-09-13. Review status: criteria provided, single submitter. Criteria: GeneDx Variant Classification Process June 2021. Collection method: clinical testing. Allele origin: germline. Affected: yes.
Comment: In silico analysis supports that this missense variant has a deleterious effect on protein structure/function; Has not been previously published as pathogenic or benign to our knowledge

Illumina Laboratory Services, Illumina
Classification: Uncertain significance for Primary ciliary dyskinesia 3. Last evaluated: 2018-01-13. Review status: criteria provided, single submitter. Criteria: ICSL Variant Classification Criteria 13 December 2019. Collection method: clinical testing. Allele origin: germline.

Ambry Genetics
Classification: Uncertain significance for Primary ciliary dyskinesia. Last evaluated: 2017-12-13. Review status: criteria provided, single submitter. Criteria: Ambry Variant Classification Scheme 2023. Collection method: clinical testing. Allele origin: germline.
Comment: The p.L3898F variant (also known as c.11694G>T), located in coding exon 68 of the DNAH5 gene, results from a G to T substitution at nucleotide position 11694. The leucine at codon 3898 is replaced by phenylalanine, an amino acid with highly similar properties. This amino acid position is highly conserved in available vertebrate species. In addition, the in silico prediction for this alteration is inconclusive. Since supporting evidence is limited at this time, the clinical significance of this alteration remains unclear.

Natera, Inc.
Classification: Uncertain significance for Primary ciliary dyskinesia. Last evaluated: 2020-08-03. Review status: no assertion criteria provided. Collection method: clinical testing. Allele origin: germline. Not counted in ClinVar's aggregate classification.